The following is an entry in ClinVar:

ClinVar aggregate classification (germline): Uncertain significance. Review status: criteria provided, multiple submitters, no conflicts (2 of 4 stars). 2 submissions from 2 submitters: Uncertain significance (2). Last evaluated 2024-08-05.

Allele frequency attached by ClinVar (database versions not stated): gnomAD exomes 0.00001; TOPMed 0.00001; ExAC 0.00002.

Submissions (2):

Labcorp Genetics (formerly Invitae), Labcorp
Classification: Uncertain significance. Last evaluated: 2024-08-05. Review status: criteria provided, single submitter. Criteria: Invitae Variant Classification Sherloc (09022015). Collection method: clinical testing. Allele origin: germline.
Comment: This sequence change replaces serine, which is neutral and polar, with glycine, which is neutral and non-polar, at codon 138 of the SNIP1 protein (p.Ser138Gly). This variant is present in population databases (rs776528301, gnomAD 0.03%). This variant has not been reported in the literature in individuals affected with SNIP1-related conditions. ClinVar contains an entry for this variant (Variation ID: 2491239). Advanced modeling of protein sequence and biophysical properties (such as structural, functional, and spatial information, amino acid conservation, physicochemical variation, residue mobility, and thermodynamic stability) performed at Invitae indicates that this missense variant is not expected to disrupt SNIP1 protein function with a negative predictive value of 80%. In summary, the available evidence is currently insufficient to determine the role of this variant in disease. Therefore, it has been classified as a Variant of Uncertain Significance.

Ambry Genetics
Classification: Uncertain significance. Last evaluated: 2023-02-28. Review status: criteria provided, single submitter. Criteria: Ambry Variant Classification Scheme 2023. Collection method: clinical testing. Allele origin: germline.

NM_024700.4(SNIP1):c.412A>G (p.Ser138Gly)

Genes: SNIP1 (Smad nuclear interacting protein 1; minus strand), LOC126805704 (BRD4-independent group 4 enhancer GRCh37_chr1:38005292-38006491; plus strand). Cytogenetic location: 1p34.3.
Variant type: single nucleotide variant.
Coding change: c.412A>G on transcript NM_024700.4 (MANE Select); coding-DNA position 412, A replaced by G.
Protein change: p.Ser138Gly; replaces serine 138 with glycine.
Molecular consequence: missense variant.
Genome position (GRCh38, 1-based): chr1:37,540,671, T>C on the plus strand (A>G on the coding strand, the complement: SNIP1 is on the minus strand). VCF-style: chr1-37540671-T-C. GRCh37 (hg19) VCF-style: chr1-38006272-T-C.
Other names: short protein forms S138G.
Identifiers: ClinVar variation 2491239 (VCV002491239.5), dbSNP rs776528301, ClinGen allele CA771338.
Genomic context (GRCh38, chr1:37,540,671, plus strand): 5'-CAGGCCTCTCGTTAGACGTTCTCCTTTGGTGGGAATGGCCCCGGTGTCTGTCCCGGTCAC[T>C]GTTCCTAGCTCTCCTGTGTTCCTGTTCTGATGGTTCCCTGTGCTGCCGATCCTCCCGTCC-3'
Protein context (NP_078976.2, residues 128-148): SEQEHRRARN[Ser138Gly]DRDRHRGHSH